The following is an entry in ClinVar:

NM_014363.6(SACS):c.2224C>T (p.Arg742Ter)

Gene: SACS (sacsin molecular chaperone; minus strand). Cytogenetic location: 13q12.12.
Variant type: single nucleotide variant.
Coding change: c.2224C>T on transcript NM_014363.6 (MANE Select); coding-DNA position 2224, C replaced by T.
Protein change: p.Arg742Ter; replaces arginine 742 with a stop codon.
Molecular consequence: nonsense.
Genome position (GRCh38, 1-based): chr13:23,341,652, G>A on the plus strand (C>T on the coding strand, the complement: SACS is on the minus strand). VCF-style: chr13-23341652-G-A. GRCh37 (hg19) VCF-style: chr13-23915791-G-A.
Other names: c.1783C>T, p.Arg595Ter (NM_001278055.2); c.2224C>T (NM_014363.5); short protein forms R742*, R595*.
Identifiers: ClinVar variation 371456 (VCV000371456.10), dbSNP rs1057517285, ClinGen allele CA16041648.
Genomic context (GRCh38, chr13:23,341,652, plus strand): 5'-CAATCAATTCTCTGCCAGGCCAGAATGTATTCATTACTTCCTTGATAAGACGTGCAAATC[G>A]TTCTGGATTTAGAAGCTGCAGCTGAGTACATGGTCTTCCTGTAAATCATACACAGAAATG-3'

ClinVar aggregate classification (germline): Pathogenic/Likely pathogenic. Review status: criteria provided, multiple submitters, no conflicts (2 of 4 stars). 5 submissions from 5 submitters: Pathogenic (2); Likely pathogenic (2). 1 of the submissions does not count toward it. Last evaluated 2024-10-08.

Conditions:
Spastic paraplegia. Identifiers: MedGen C0037772, HP:0001258.
Charlevoix-Saguenay spastic ataxia (SACS). Also called: Spastic ataxia of Charlevoix-Saguenay; SPASTIC ATAXIA 6, AUTOSOMAL RECESSIVE; AUTOSOMAL RECESSIVE SPASTIC ATAXIA OF CHARLEVOIX-SAGUENAY. Identifiers: Orphanet 98, MedGen C1849140, MONDO:0010041, OMIM 270550.

Allele frequency attached by ClinVar (database versions not stated): gnomAD exomes below 0.00001.
gnomAD v4.1: 3 of 1,613,280 alleles (0.00019%); highest among the groups gnomAD compares: East Asian, 0.0022%; no homozygotes.

Submissions (5):

Natera, Inc.
Classification: Likely pathogenic for Charlevoix-Saguenay type spastic ataxia. Last evaluated: 2024-10-08. Review status: criteria provided, single submitter. Criteria: Natera Variant Classification Schema (03/2026). Collection method: clinical testing. Allele origin: germline.
Comment: The c.2224C>T variant in SACS is a nonsense variant predicted to introduce a stop codon at amino acid 742. This variant is expected to result in nonsense mediated decay, truncation, or a dysfunctional protein product. This variant is rare in the general population with a frequency below the threshold expected for the associated phenotype(s). Given the available evidence, this variant is classified as Likely Pathogenic.

Fulgent Genetics
Classification: Pathogenic for Charlevoix-Saguenay spastic ataxia. Last evaluated: 2024-06-12. Review status: criteria provided, single submitter. Criteria: ACMG Guidelines, 2015. Collection method: clinical testing. Allele origin: germline.

Labcorp Genetics (formerly Invitae), Labcorp
Classification: Pathogenic for Spastic paraplegia. Last evaluated: 2023-02-18. Review status: criteria provided, single submitter. Criteria: Invitae Variant Classification Sherloc (09022015). Collection method: clinical testing. Allele origin: germline.
Comment: For these reasons, this variant has been classified as Pathogenic. This variant disrupts a region of the SACS protein in which other variant(s) (p.Tyr4538*) have been determined to be pathogenic (Invitae). This suggests that this is a clinically significant region of the protein, and that variants that disrupt it are likely to be disease-causing. ClinVar contains an entry for this variant (Variation ID: 371456). This variant is also known as p.R472X. This premature translational stop signal has been observed in individual(s) with spastic ataxia of Charlevoix-Saguenay (PMID: 20368637, 23280630). This variant is not present in population databases (gnomAD no frequency). This sequence change creates a premature translational stop signal (p.Arg742*) in the SACS gene. While this is not anticipated to result in nonsense mediated decay, it is expected to disrupt the last 3838 amino acid(s) of the SACS protein.

PROSPAX: an integrated multimodal progression  chart in spastic ataxias, Center for Neurology; Hertie-Institute for Clinical Brain Research
Classification: Likely pathogenic for Charlevoix-Saguenay spastic ataxia. Last evaluated: 2022-01-01. Review status: criteria provided, single submitter. Criteria: ACMG Guidelines, 2015. Collection method: research. Allele origin: germline. Affected: yes.

Counsyl
Classification: Likely pathogenic for Charlevoix-Saguenay spastic ataxia. Last evaluated: 2016-09-30. Review status: no assertion criteria provided. Collection method: clinical testing. Allele origin: unknown. Not counted in ClinVar's aggregate classification.

Literature cited by the submitters: PubMed 20368637 (cited by Labcorp Genetics (formerly Invitae), Labcorp and Counsyl); PubMed 23280630 (cited by Labcorp Genetics (formerly Invitae), Labcorp).